The following is an entry in ClinVar:

NM_015466.4(PTPN23):c.1308G>T (p.Arg436Ser)

Gene: PTPN23 (protein tyrosine phosphatase non-receptor type 23; plus strand). Cytogenetic location: 3p21.31.
Variant type: single nucleotide variant.
Coding change: c.1308G>T on transcript NM_015466.4 (MANE Select); coding-DNA position 1308, G replaced by T.
Protein change: p.Arg436Ser; replaces arginine 436 with serine.
Molecular consequence: missense variant.
Genome position (GRCh38, 1-based): chr3:47,408,468, G>T. VCF-style: chr3-47408468-G-T. GRCh37 (hg19) VCF-style: chr3-47449958-G-T.
Other names: c.930G>T, p.Arg310Ser (NM_001304482.2); short protein forms R310S, R436S.
Identifiers: ClinVar variation 1432059 (VCV001432059.8), dbSNP rs2107718517, ClinGen allele CA352552674.

ClinVar aggregate classification (germline): Uncertain significance (1 of 4 stars; one submission).

Submission:

Labcorp Genetics (formerly Invitae), Labcorp
Classification: Uncertain significance. Last evaluated: 2023-12-06. Review status: criteria provided, single submitter. Criteria: Invitae Variant Classification Sherloc (09022015). Collection method: clinical testing. Allele origin: germline.
Comment: This sequence change replaces arginine, which is basic and polar, with serine, which is neutral and polar, at codon 436 of the PTPN23 protein (p.Arg436Ser). This variant is not present in population databases (gnomAD no frequency). This variant has not been reported in the literature in individuals affected with PTPN23-related conditions. ClinVar contains an entry for this variant (Variation ID: 1432059). Experimental studies and prediction algorithms are not available or were not evaluated, and the functional significance of this variant is currently unknown. In summary, the available evidence is currently insufficient to determine the role of this variant in disease. Therefore, it has been classified as a Variant of Uncertain Significance.